The following is an entry in ClinVar:

ClinVar aggregate classification (germline): Pathogenic (1 of 4 stars; one submission).

Conditions:
Hereditary spastic paraplegia 49 (HSAN9). Also called: TECPR2-Related Hereditary Sensory and Autonomic Neuropathy with Intellectual Disability; NEUROPATHY, HEREDITARY SENSORY AND AUTONOMIC, TYPE IX, WITH DEVELOPMENTAL DELAY; Spastic paraplegia 49, autosomal recessive. Identifiers: Orphanet 320385, MedGen C5190860, MONDO:0014016, OMIM 615031.

Allele frequency attached by ClinVar (database versions not stated): gnomAD exomes below 0.00001.

Submission:

Labcorp Genetics (formerly Invitae), Labcorp
Classification: Pathogenic for Hereditary spastic paraplegia 49. Last evaluated: 2023-01-05. Review status: criteria provided, single submitter. Criteria: Invitae Variant Classification Sherloc (09022015). Collection method: clinical testing. Allele origin: germline.
Comment: For these reasons, this variant has been classified as Pathogenic. This variant has not been reported in the literature in individuals affected with TECPR2-related conditions. This variant is not present in population databases (gnomAD no frequency). This sequence change creates a premature translational stop signal (p.Lys821Asnfs*58) in the TECPR2 gene. It is expected to result in an absent or disrupted protein product. Loss-of-function variants in TECPR2 are known to be pathogenic (PMID: 23176824, 25590979).

Literature cited by the submitters: PubMed 23176824; PubMed 25590979.

NM_014844.5(TECPR2):c.2463_2526del (p.Lys821fs)

Genes: TECPR2 (tectonin beta-propeller repeat containing 2; plus strand), LOC130056519 (ATAC-STARR-seq lymphoblastoid silent region 6116; plus strand). Cytogenetic location: 14q32.31.
Variant type: Deletion.
Coding change: c.2463_2526del on transcript NM_014844.5 (MANE Select); coding-DNA positions 2463 to 2526, 64 bases deleted.
Protein change: p.Lys821fs; shifts the reading frame from lysine 821.
Molecular consequence: frameshift variant.
Genome position (GRCh38, 1-based): chr14:102,438,090-102,438,153, 64 bases deleted. GRCh37 (hg19): chr14:102,904,427-102,904,490.
Other names: c.2463_2526del, p.Lys821fs (NM_001172631.3); short protein forms K821fs.
Identifiers: ClinVar variation 2886739 (VCV002886739.3), dbSNP rs2504432690, ClinGen allele CA616581465.